The following is an entry in ClinVar:

ClinVar aggregate classification (germline): Uncertain significance (1 of 4 stars; one submission).

Allele frequency attached by ClinVar (database versions not stated): gnomAD exomes below 0.00001; gnomAD 0.00001.
gnomAD v4.1: 6 of 1,614,042 alleles (0.00037%); highest among the groups gnomAD compares: African/African-American, 0.0027%; no homozygotes.

Submission:

Women's Health and Genetics/Laboratory Corporation of America, LabCorp
Classification: Uncertain significance. Last evaluated: 2024-04-04. Review status: criteria provided, single submitter. Criteria: LabCorp Variant Classification Summary - May 2015. Collection method: clinical testing. Allele origin: germline.
Comment: Variant summary: TCF20 c.1557A>C (p.Leu519Phe) results in a non-conservative amino acid change in the encoded protein sequence. Three of five in-silico tools predict a damaging effect of the variant on protein function. The variant allele was found at a frequency of 4e-06 in 251054 control chromosomes. The available data on variant occurrences in the general population are insufficient to allow any conclusion about variant significance. To our knowledge, no occurrence of c.1557A>C in individuals affected with Developmental Delay With Variable Intellectual Impairment And Behavioral Abnormalities and no experimental evidence demonstrating its impact on protein function have been reported. No submitters have cited clinical-significance assessments for this variant to ClinVar. Based on the evidence outlined above, the variant was classified as uncertain significance.

NM_001378418.1(TCF20):c.1557A>C (p.Leu519Phe)

Gene: TCF20 (transcription factor 20; minus strand). Cytogenetic location: 22q13.2.
Variant type: single nucleotide variant.
Coding change: c.1557A>C on transcript NM_001378418.1 (MANE Select); coding-DNA position 1557, A replaced by C.
Protein change: p.Leu519Phe; replaces leucine 519 with phenylalanine.
Molecular consequence: missense variant.
Genome position (GRCh38, 1-based): chr22:42,213,749, T>G on the plus strand (A>C on the coding strand, the complement: TCF20 is on the minus strand). VCF-style: chr22-42213749-T-G. GRCh37 (hg19) VCF-style: chr22-42609755-T-G.
Other names: c.1557A>C, p.Leu519Phe (NM_005650.4, NM_181492.3); short protein forms L519F.
Identifiers: ClinVar variation 3251524 (VCV003251524.1), dbSNP rs1420195548.